The following is an entry in ClinVar:

ClinVar aggregate classification (germline): Pathogenic/Likely pathogenic. Review status: criteria provided, multiple submitters, no conflicts (2 of 4 stars). 4 submissions from 4 submitters: Pathogenic (2); Likely pathogenic (2). Last evaluated 2025-12-21.

Conditions:
Congenital myotonia, autosomal recessive form. Also called: Becker Generalized Myotonia; BECKER DISEASE; myotonia congenita, autosomal recessive. Identifiers: Orphanet 614, MedGen C0751360, MONDO:0009715, OMIM 255700.
Congenital myotonia, autosomal dominant form (THD). Also called: THOMSEN DISEASE; Myotonia congenita autosomal dominant. Identifiers: Orphanet 614, MedGen C2936781, MONDO:0008055, OMIM 160800.
CLCN1-related disorder. Also called: CLCN1-related condition.

Allele frequency attached by ClinVar (database versions not stated): gnomAD exomes 0.00001 and 0.00003; TOPMed 0.00001; ExAC 0.00003; gnomAD 0.00003.
gnomAD v4.1: 42 of 1,614,042 alleles (0.0026%); highest among the groups gnomAD compares: South Asian, 0.013%; no homozygotes.

Submissions (4):

Labcorp Genetics (formerly Invitae), Labcorp
Classification: Pathogenic for Congenital myotonia, autosomal recessive form; Congenital myotonia, autosomal dominant form. Last evaluated: 2025-12-21. Review status: criteria provided, single submitter. Criteria: Invitae Variant Classification Sherloc (09022015). Collection method: clinical testing. Allele origin: germline.
Comment: This sequence change affects codon 550 of the CLCN1 mRNA. It is a 'silent' change, meaning that it does not change the encoded amino acid sequence of the CLCN1 protein. This variant is present in population databases (rs778647317, gnomAD 0.003%). This variant has been observed in individual(s) with autosomal recessive myotonia congenita (PMID: 23516313, 31772215). In at least one individual the data is consistent with being in trans (on the opposite chromosome) from a pathogenic variant. It has also been observed to segregate with disease in related individuals. ClinVar contains an entry for this variant (Variation ID: 844401). Algorithms developed to predict the effect of sequence changes on RNA splicing suggest that this variant may create or strengthen a splice site. For these reasons, this variant has been classified as Pathogenic.

Blueprint Genetics
Classification: Likely pathogenic for CLCN1-related disorders. Last evaluated: 2024-05-20. Review status: criteria provided, single submitter. Criteria: ACMG Guidelines, 2015. Collection method: clinical testing. Allele origin: germline. Affected: yes. Observed: 5 variant alleles.

Women's Health and Genetics/Laboratory Corporation of America, LabCorp
Classification: Pathogenic for Congenital myotonia, autosomal recessive form. Last evaluated: 2023-07-26. Review status: criteria provided, single submitter. Criteria: LabCorp Variant Classification Summary - May 2015. Collection method: clinical testing. Allele origin: germline.
Comment: Variant summary: CLCN1 c.1650G>A alters a non-conserved nucleotide resulting in a synonymous change. Several computational tools predict a significant impact on normal splicing: four predict the variant strengthens a cryptic 5' donor site, and two predict the variant creates a 3' acceptor site. However, these predictions have yet to be confirmed by functional studies. The variant allele was found at a frequency of 1.2e-05 in 251232 control chromosomes (gnomAD). The available data on variant occurrences in the general population are insufficient to allow any conclusion about variant significance. c.1650G>A has been reported in the literature in both homozygous and compound heterozygous individuals affected with Myotonia congenita, and the variant has been shown to segregate with disease in related individuals (e.g., Horga_2013). The variant has also been suggested to be a modifier of disease in a heterozygous patient with myotonia who also harbored a heterozygous SCN4A variant (e.g., Thor_2019). These data indicate that the variant is very likely to be associated with disease. To our knowledge, no experimental evidence demonstrating an impact on protein function has been reported. The following publications have been ascertained in the context of this evaluation (PMID: 23516313, 31772215). One submitter has reported clinical-significance assessments for this variant to ClinVar after 2014 and has classified the variant as likely pathogenic. Based on the evidence outlined above, the variant was classified as pathogenic.

Juno Genomics, Hangzhou Juno Genomics, Inc
Classification: Likely pathogenic for Congenital myotonia, autosomal dominant form; Congenital myotonia, autosomal recessive form. Review status: criteria provided, single submitter. Criteria: ACMG Guidelines, 2015. Collection method: clinical testing. Allele origin: germline.
Comment: Absent from controls (or at extremely low frequency if recessive) in Genome Aggregation Database.;Multiple lines of computational evidence support a deleterious effect on the gene or gene product.;For recessive disorders, detected in trans with a pathogenic variant.;Co-segregation with disease in multiple affected family members.;Patient's phenotype or family history is highly specific for a disease with a single genetic etiology.

Literature cited by the submitters: PubMed 23516313 (cited by Labcorp Genetics (formerly Invitae), Labcorp and Women's Health and Genetics/Laboratory Corporation of America, LabCorp); PubMed 31772215 (cited by Labcorp Genetics (formerly Invitae), Labcorp and Women's Health and Genetics/Laboratory Corporation of America, LabCorp).

NM_000083.3(CLCN1):c.1650G>A (p.Thr550=)

Gene: CLCN1 (chloride voltage-gated channel 1; plus strand). Cytogenetic location: 7q34.
Variant type: single nucleotide variant.
Coding change: c.1650G>A on transcript NM_000083.3 (MANE Select); coding-DNA position 1650, G replaced by A.
Protein change: p.Thr550=; no amino-acid change (threonine 550 retained).
Molecular consequence: synonymous variant. On other transcripts: non-coding transcript variant (1).
Genome position (GRCh38, 1-based): chr7:143,341,996, G>A. VCF-style: chr7-143341996-G-A. GRCh37 (hg19) VCF-style: chr7-143039089-G-A.
Identifiers: ClinVar variation 844401 (VCV000844401.13), dbSNP rs778647317, ClinGen allele CA4537444.
Genomic context (GRCh38, chr7:143,341,996, plus strand): 5'-AGCGCTGACTGGTGCCGTTTCCCACACAGTCTCCACAGCTGTGATTTGCTTCGAATTAAC[G>A]GGTCAGATTGCTCACATCCTGCCCATGATGGTGGCTGTTATCTTGGCCAACATGGTGGCC-3'
Protein context (NP_000074.3, residues 540-560): VSTAVICFEL[Thr550=]GQIAHILPMM